The following is an entry in ClinVar:

ClinVar aggregate classification (germline): Uncertain significance (1 of 4 stars; one submission).

Conditions:
Fanconi anemia complementation group J. Also called: BRIP1-Related Fanconi Anemia. Identifiers: Orphanet 84, MedGen C1836860, MONDO:0012187, OMIM 609054.
Familial cancer of breast. Also called: BREAST CANCER, FAMILIAL; Hereditary breast cancer; hereditary breast carcinoma. Identifiers: Orphanet 227535, MedGen C0346153, MONDO:0016419, OMIM 114480. Disease mechanism: loss of function.

Submission:

Labcorp Genetics (formerly Invitae), Labcorp
Classification: Uncertain significance for Familial cancer of breast; Fanconi anemia complementation group J. Last evaluated: 2023-02-07. Review status: criteria provided, single submitter. Criteria: Invitae Variant Classification Sherloc (09022015). Collection method: clinical testing. Allele origin: germline.
Comment: This sequence change replaces lysine, which is basic and polar, with methionine, which is neutral and non-polar, at codon 297 of the BRIP1 protein (p.Lys297Met). This variant is not present in population databases (gnomAD no frequency). This variant has not been reported in the literature in individuals affected with BRIP1-related conditions. Advanced modeling of protein sequence and biophysical properties (such as structural, functional, and spatial information, amino acid conservation, physicochemical variation, residue mobility, and thermodynamic stability) performed at Invitae indicates that this missense variant is not expected to disrupt BRIP1 protein function. In summary, the available evidence is currently insufficient to determine the role of this variant in disease. Therefore, it has been classified as a Variant of Uncertain Significance.

NM_032043.3(BRIP1):c.890A>T (p.Lys297Met)

Gene: BRIP1 (BRCA1 interacting DNA helicase 1; minus strand). Cytogenetic location: 17q23.2.
Variant type: single nucleotide variant.
Coding change: c.890A>T on transcript NM_032043.3 (MANE Select); coding-DNA position 890, A replaced by T.
Protein change: p.Lys297Met; replaces lysine 297 with methionine.
Molecular consequence: missense variant.
Genome position (GRCh38, 1-based): chr17:61,808,495, T>A on the plus strand (A>T on the coding strand, the complement: BRIP1 is on the minus strand). VCF-style: chr17-61808495-T-A. GRCh37 (hg19) VCF-style: chr17-59885856-T-A.
Other names: short protein forms K297M.
Identifiers: ClinVar variation 2944007 (VCV002944007.3), dbSNP rs28997570, ClinGen allele CA400484696.